The following is an entry in ClinVar:

ClinVar aggregate classification (germline): Benign/Likely benign. Review status: criteria provided, multiple submitters, no conflicts (2 of 4 stars). 9 submissions from 8 submitters: Benign (4); Likely benign (5). Last evaluated 2026-02-03.

Conditions:
Inborn genetic diseases. Identifiers: MedGen C0950123, MeSH D030342.
Familial cutaneous telangiectasia and oropharyngeal predisposition cancer syndrome. Identifiers: Orphanet 313846, MedGen C3281203, MONDO:0013806, OMIM 614564.
Seckel syndrome 1 (SCKL1). Also called: MICROCEPHALIC PRIMORDIAL DWARFISM I. Identifiers: Orphanet 808, MedGen C4551474, MONDO:0008869, OMIM 210600.

Allele frequency attached by ClinVar (database versions not stated): gnomAD exomes 0.00106; ExAC 0.00124; gnomAD 0.00410 and 0.00450; TOPMed 0.00468; ESP Exome Variant Server 0.00469; 1000 Genomes Project 0.00499; 1000 Genomes Project 30x 0.00515.
gnomAD v4.1: 1,324 of 1,613,910 alleles (0.082%); highest among the groups gnomAD compares: African/African-American, 1.5%; 9 homozygotes.

Submissions (9):

Labcorp Genetics (formerly Invitae), Labcorp
Classification: Benign. Last evaluated: 2026-02-03. Review status: criteria provided, single submitter. Criteria: Invitae Variant Classification Sherloc (09022015). Collection method: clinical testing. Allele origin: germline.

Blueprint Genetics
Classification: Likely benign. Last evaluated: 2024-11-12. Review status: criteria provided, single submitter. Criteria: ACMG Guidelines, 2015. Collection method: clinical testing. Allele origin: germline.

KCCC/NGS Laboratory, Kuwait Cancer Control Center
Classification: Benign for Familial cutaneous telangiectasia and oropharyngeal predisposition cancer syndrome. Last evaluated: 2023-07-07. Review status: criteria provided, single submitter. Criteria: ACMG Guidelines, 2015. Collection method: clinical testing. Allele origin: germline. Affected: yes.

Genome-Nilou Lab
Classification: Likely benign for Seckel syndrome 1. Last evaluated: 2023-02-08. Review status: criteria provided, single submitter. Criteria: ACMG Guidelines, 2015. Collection method: clinical testing. Allele origin: germline.

Genome-Nilou Lab
Classification: Likely benign for Familial cutaneous telangiectasia and oropharyngeal predisposition cancer syndrome. Last evaluated: 2023-02-08. Review status: criteria provided, single submitter. Criteria: ACMG Guidelines, 2015. Collection method: clinical testing. Allele origin: germline.

Ambry Genetics
Classification: Likely benign for Inborn genetic diseases. Last evaluated: 2022-09-08. Review status: criteria provided, single submitter. Criteria: Ambry Variant Classification Scheme 2023. Collection method: clinical testing. Allele origin: germline.

GeneDx
Classification: Likely benign. Last evaluated: 2022-06-21. Review status: criteria provided, single submitter. Criteria: GeneDx Variant Classification Process June 2021. Collection method: clinical testing. Allele origin: germline. Affected: yes.
Comment: See Variant Classification Assertion Criteria.

Illumina Laboratory Services, Illumina
Classification: Benign for Seckel syndrome 1. Last evaluated: 2017-04-28. Review status: criteria provided, single submitter. Criteria: ICSL Variant Classification Criteria 13 December 2019. Collection method: clinical testing. Allele origin: germline.
Comment: This variant was observed as part of a predisposition screen in an ostensibly healthy population. A literature search was performed for the gene, cDNA change, and amino acid change (where applicable). No publications were found based on this search. Allele frequency data from public databases was too high to be consistent with this variant causing disease. Therefore, this variant is classified as benign.

Genetic Services Laboratory, University of Chicago
Classification: Benign. Last evaluated: 2013-07-02. Review status: criteria provided, single submitter. Criteria: ACMG Guidelines, 2007. Collection method: clinical testing. Allele origin: germline. Inheritance: Autosomal recessive inheritance.

NM_001184.4(ATR):c.1328G>C (p.Arg443Thr)

Gene: ATR (ATR checkpoint kinase; minus strand). Cytogenetic location: 3q23.
Variant type: single nucleotide variant.
Coding change: c.1328G>C on transcript NM_001184.4 (MANE Select); coding-DNA position 1328, G replaced by C.
Protein change: p.Arg443Thr; replaces arginine 443 with threonine.
Molecular consequence: missense variant.
Genome position (GRCh38, 1-based): chr3:142,561,264, C>G on the plus strand (G>C on the coding strand, the complement: ATR is on the minus strand). VCF-style: chr3-142561264-C-G. GRCh37 (hg19) VCF-style: chr3-142280106-C-G.
Other names: c.1328G>C, p.Arg443Thr (NM_001354579.2); short protein forms R443T.
Identifiers: ClinVar variation 157963 (VCV000157963.27), dbSNP rs28367453, ClinGen allele CA171338.